The following is an entry in ClinVar:

ClinVar aggregate classification (germline): Uncertain significance (1 of 4 stars; one submission).

Allele frequency attached by ClinVar (database versions not stated): ExAC 0.00001; gnomAD 0.00001; gnomAD exomes 0.00001; TOPMed 0.00002.

Submission:

Labcorp Genetics (formerly Invitae), Labcorp
Classification: Uncertain significance. Last evaluated: 2023-05-16. Review status: criteria provided, single submitter. Criteria: Invitae Variant Classification Sherloc (09022015). Collection method: clinical testing. Allele origin: germline.
Comment: This variant is present in population databases (rs747439712, gnomAD 0.003%). This sequence change creates a premature translational stop signal (p.Val269Alafs*13) in the MATN3 gene. It is expected to result in an absent or disrupted protein product. However, the current clinical and genetic evidence is not sufficient to establish whether loss-of-function variants in MATN3 cause disease. This variant has not been reported in the literature in individuals affected with MATN3-related conditions. In summary, the available evidence is currently insufficient to determine the role of this variant in disease. Therefore, it has been classified as a Variant of Uncertain Significance.

NM_002381.5(MATN3):c.801_802del (p.Val269fs)

Genes: MATN3 (matrilin 3; minus strand), WDR35-DT (WDR35 divergent transcript; plus strand). Cytogenetic location: 2p24.1.
Variant type: Deletion.
Coding change: c.801_802del on transcript NM_002381.5 (MANE Select); coding-DNA positions 801 to 802, 2 bases deleted (CT; older notation c.801_802delCT).
Protein change: p.Val269fs; shifts the reading frame from valine 269.
Molecular consequence: frameshift variant.
Genome position (GRCh38, 1-based): chr2:20,003,275-20,003,276, AG deleted on the plus strand (CT on the coding strand, the reverse complement: MATN3 is on the minus strand). VCF-style (leftmost placement, unchanged base first): chr2-20003274-CAG-C. GRCh37 (hg19) VCF-style: chr2-20203035-CAG-C.
Other names: short protein forms V269fs.
Identifiers: ClinVar variation 3001508 (VCV003001508.3), dbSNP rs747439712, ClinGen allele CA1543883.
Genomic context (GRCh38, chr2:20,003,274, plus strand): 5'-TGGTGCTTGCCTTCCCCATCACTGATGCAGACGTGCTGGCACTGGTGTGTTCCAAGCACA[CAG>C]GGGTCCAGCGCTGTGAGAGGAAGTTTACAACAGTCAGCACTGACACTTAGGAAACATCTC-3'